The following is an entry in ClinVar:

ClinVar aggregate classification (germline): Uncertain significance (1 of 4 stars; one submission).

Conditions:
Joubert syndrome. Also called: CEREBELLOPARENCHYMAL DISORDER IV; JOUBERT-BOLTSHAUSER SYNDROME; Familial aplasia of the vermis. Identifiers: Orphanet 475, MedGen C5979921, MONDO:0018772.
Orofaciodigital syndrome I (OFD1). Also called: OFDS I; Papillon-Leage and Psaume Syndrome; Oral-Facial-Digital Syndrome Type I. Identifiers: Orphanet 2750, MedGen C1510460, MONDO:0010702, OMIM 311200.

Allele frequency attached by ClinVar (database versions not stated): gnomAD exomes below 0.00001; TOPMed below 0.00001.
gnomAD v4.1: 1 of 1,208,631 alleles (0.000083%); highest among the groups gnomAD compares: African/African-American, 0.0017%; no homozygotes.

Submission:

Labcorp Genetics (formerly Invitae), Labcorp
Classification: Uncertain significance for Orofaciodigital syndrome I; Joubert syndrome. Last evaluated: 2023-10-07. Review status: criteria provided, single submitter. Criteria: Invitae Variant Classification Sherloc (09022015). Collection method: clinical testing. Allele origin: germline.
Comment: This sequence change replaces serine, which is neutral and polar, with glycine, which is neutral and non-polar, at codon 534 of the OFD1 protein (p.Ser534Gly). This variant is present in population databases (rs747343345, gnomAD 0.008%). This variant has not been reported in the literature in individuals affected with OFD1-related conditions. Advanced modeling of protein sequence and biophysical properties (such as structural, functional, and spatial information, amino acid conservation, physicochemical variation, residue mobility, and thermodynamic stability) performed at Invitae indicates that this missense variant is not expected to disrupt OFD1 protein function. In summary, the available evidence is currently insufficient to determine the role of this variant in disease. Therefore, it has been classified as a Variant of Uncertain Significance.

NM_003611.3(OFD1):c.1600A>G (p.Ser534Gly)

Gene: OFD1 (OFD1 centriole and centriolar satellite protein; plus strand). Cytogenetic location: Xp22.2.
Variant type: single nucleotide variant.
Coding change: c.1600A>G on transcript NM_003611.3 (MANE Select); coding-DNA position 1600, A replaced by G.
Protein change: p.Ser534Gly; replaces serine 534 with glycine.
Molecular consequence: missense variant.
Genome position (GRCh38, 1-based): chrX:13,758,394, A>G. VCF-style: chrX-13758394-A-G. GRCh37 (hg19) VCF-style: chrX-13776513-A-G.
Other names: c.1480A>G, p.Ser494Gly (NM_001330209.2); c.1180A>G, p.Ser394Gly (NM_001330210.2); short protein forms S394G, S494G, S534G.
Identifiers: ClinVar variation 2924186 (VCV002924186.3), dbSNP rs747343345, ClinGen allele CA10351851.